The following is an entry in ClinVar:

NM_000444.6(PHEX):c.245G>T (p.Arg82Leu)

Gene: PHEX (phosphate regulating endopeptidase X-linked; plus strand). Cytogenetic location: Xp22.11.
Variant type: single nucleotide variant.
Coding change: c.245G>T on transcript NM_000444.6 (MANE Select); coding-DNA position 245, G replaced by T.
Protein change: p.Arg82Leu; replaces arginine 82 with leucine.
Molecular consequence: missense variant.
Genome position (GRCh38, 1-based): chrX:22,047,107, G>T. VCF-style: chrX-22047107-G-T. GRCh37 (hg19) VCF-style: chrX-22065225-G-T.
Other names: c.245G>T, p.Arg82Leu (NM_001282754.2); short protein forms R82L.
Identifiers: ClinVar variation 2011689 (VCV002011689.4), dbSNP rs769541316, ClinGen allele CA10368004.

ClinVar aggregate classification (germline): Uncertain significance (1 of 4 stars; one submission).

gnomAD v4.1: 10 of 1,206,751 alleles (0.00083%); highest among the groups gnomAD compares: Non-Finnish European, 0.001%; no homozygotes.

Submission:

Labcorp Genetics (formerly Invitae), Labcorp
Classification: Uncertain significance. Last evaluated: 2022-02-22. Review status: criteria provided, single submitter. Criteria: Invitae Variant Classification Sherloc (09022015). Collection method: clinical testing. Allele origin: germline.
Comment: This sequence change replaces arginine, which is basic and polar, with leucine, which is neutral and non-polar, at codon 82 of the PHEX protein (p.Arg82Leu). This variant is not present in population databases (gnomAD no frequency). This variant has not been reported in the literature in individuals affected with PHEX-related conditions. Advanced modeling of protein sequence and biophysical properties (such as structural, functional, and spatial information, amino acid conservation, physicochemical variation, residue mobility, and thermodynamic stability) performed at Invitae indicates that this missense variant is not expected to disrupt PHEX protein function. In summary, the available evidence is currently insufficient to determine the role of this variant in disease. Therefore, it has been classified as a Variant of Uncertain Significance.